The following is an entry in ClinVar:

NM_001012426.2(FOXP4):c.1306G>T (p.Gly436Cys)

Gene: FOXP4 (forkhead box P4; plus strand). Cytogenetic location: 6p21.1.
Variant type: single nucleotide variant.
Coding change: c.1306G>T on transcript NM_001012426.2 (MANE Select); coding-DNA position 1306, G replaced by T.
Protein change: p.Gly436Cys; replaces glycine 436 with cysteine.
Molecular consequence: missense variant.
Genome position (GRCh38, 1-based): chr6:41,590,119, G>T. VCF-style: chr6-41590119-G-T. GRCh37 (hg19) VCF-style: chr6-41557857-G-T.
Other names: c.1300G>T, p.Gly434Cys (NM_001012427.2); c.1270G>T, p.Gly424Cys (NM_001405824.1); c.1210G>T, p.Gly404Cys (NM_001405825.1); c.1174G>T, p.Gly392Cys (NM_001405826.1); c.1267G>T, p.Gly423Cys (NM_138457.3); short protein forms G392C, G404C, G423C, G424C, G434C, G436C.
Identifiers: ClinVar variation 4086609 (VCV004086609.1).

ClinVar aggregate classification (germline): Uncertain significance (1 of 4 stars; one submission).

Submission:

GeneDx
Classification: Uncertain significance. Last evaluated: 2025-03-18. Review status: criteria provided, single submitter. Criteria: GeneDx Variant Classification Process June 2021. Collection method: clinical testing. Allele origin: germline. Affected: yes.
Comment: Not observed at significant frequency in large population cohorts (gnomAD); In silico analysis supports that this missense variant has a deleterious effect on protein structure/function; Has not been previously published as pathogenic or benign to our knowledge